The following is an entry in ClinVar:

ClinVar aggregate classification (germline): Likely pathogenic (1 of 4 stars; one submission).

Conditions:
Hypertrophic cardiomyopathy 4. Also called: Familial hypertrophic cardiomyopathy 4. Identifiers: MedGen C1861862, MONDO:0007268, OMIM 115197.

Submission:

3billion
Classification: Likely pathogenic for Hypertrophic cardiomyopathy 4. Last evaluated: 2023-02-23. Review status: criteria provided, single submitter. Criteria: ACMG Guidelines, 2015. Collection method: clinical testing. Allele origin: unknown. Affected: yes.
Comment: The variant is not observed in the gnomAD v2.1.1 dataset. This variant was predicted to alter splicing and result in a loss or disruption of normal protein function. Multiple pathogenic loss-of-function variants are reported downstream of the variant. Therefore, this variant is classified as Likely pathogenic according to the recommendation of ACMG/AMP guideline.

NM_000256.3(MYBPC3):c.2067+2del

Gene: MYBPC3 (myosin binding protein C3; minus strand). Cytogenetic location: 11p11.2.
Variant type: Deletion.
Coding change: c.2067+2del on transcript NM_000256.3 (MANE Select); the canonical splice donor site of the intron after coding-DNA position 2067, one base deleted (T; older notation c.2067+2delT).
Molecular consequence: splice donor variant.
Genome position (GRCh38, 1-based): chr11:47,339,649, A deleted on the plus strand (T on the coding strand, the reverse complement: MYBPC3 is on the minus strand). VCF-style (leftmost placement, unchanged base first): chr11-47339648-TA-T. GRCh37 (hg19) VCF-style: chr11-47361199-TA-T.
Identifiers: ClinVar variation 2444212 (VCV002444212.1), dbSNP rs2495755876, ClinGen allele CA2580084190.
Genomic context (GRCh38, chr11:47,339,648, plus strand): 5'-GCACTTGGCTGGTTCCACACACCCATCTTATAGATGGGGAGACTGAGGAGGGACCCACAG[TA>T]CCTGCGTGATAGCCTTCTGCCAGATCACAGTGGGAGCAGGGTCCCCAGAGATAGGGACGT-3'